The following is an entry in ClinVar:

NM_000719.7(CACNA1C):c.4305dup (p.Glu1436fs)

Gene: CACNA1C (calcium voltage-gated channel subunit alpha1 C; plus strand). Cytogenetic location: 12p13.33.
Variant type: Duplication.
Coding change: c.4305dup on transcript NM_000719.7 (MANE Select); coding-DNA position 4305, one base duplicated (C; older notation c.4305dupC).
Protein change: p.Glu1436fs; shifts the reading frame from glutamic acid 1436.
Molecular consequence: frameshift variant.
Genome position (GRCh38, 1-based): chr12:2,664,897, C duplicated; the last of 2 consecutive C bases (chr12:2,664,896-2,664,897); duplicating either gives the same sequence. VCF-style (leftmost placement, unchanged base first): chr12-2664895-T-TC. GRCh37 (hg19) VCF-style: chr12-2774061-T-TC.
Other names: c.4371dup, p.Glu1458fs (NM_001129829.2); c.4305dup, p.Glu1436fs (NM_001129830.3, NM_001129833.2, NM_001129834.2 and 7 more transcripts); c.4389dup, p.Glu1464fs (NM_001129831.2); c.4365dup, p.Glu1456fs (NM_001129832.2); c.4356dup, p.Glu1453fs (NM_001129836.2); c.4272dup, p.Glu1425fs (NM_001129837.2, NM_001129838.2, NM_001129846.2 and 1 more transcripts); c.4266dup, p.Glu1423fs (NM_001129839.2); c.4296dup, p.Glu1433fs (NM_001129844.2); and 1 more; short protein forms E1423fs, E1436fs, E1456fs, E1484fs, E1425fs, E1453fs, E1464fs, E1433fs.
Identifiers: ClinVar variation 2865396 (VCV002865396.3), dbSNP rs2529633098, ClinGen allele CA2739271815.

ClinVar aggregate classification (germline): Uncertain significance (1 of 4 stars; one submission).

Conditions:
Long QT syndrome (LQTS). Identifiers: MedGen C0023976, MeSH D008133, MONDO:0002442. Disease mechanism: loss of function. Inheritance: Various modes of inheritance.

Submission:

Labcorp Genetics (formerly Invitae), Labcorp
Classification: Uncertain significance for Long QT syndrome. Last evaluated: 2023-05-18. Review status: criteria provided, single submitter. Criteria: Invitae Variant Classification Sherloc (09022015). Collection method: clinical testing. Allele origin: germline.
Comment: In summary, the available evidence is currently insufficient to determine the role of this variant in disease. Therefore, it has been classified as a Variant of Uncertain Significance. This sequence change creates a premature translational stop signal (p.Glu1436Argfs*9) in the CACNA1C gene. It is expected to result in an absent or disrupted protein product. However, the current clinical and genetic evidence is not sufficient to establish whether loss-of-function variants in CACNA1C cause disease. This variant is not present in population databases (gnomAD no frequency). This variant has not been reported in the literature in individuals affected with CACNA1C-related conditions.